The following is an entry in ClinVar:

NM_000292.3(PHKA2):c.1505T>C (p.Ile502Thr)

Gene: PHKA2 (phosphorylase kinase regulatory subunit alpha 2; minus strand). Cytogenetic location: Xp22.13.
Variant type: single nucleotide variant.
Coding change: c.1505T>C on transcript NM_000292.3 (MANE Select); coding-DNA position 1505, T replaced by C.
Protein change: p.Ile502Thr; replaces isoleucine 502 with threonine.
Molecular consequence: missense variant.
Genome position (GRCh38, 1-based): chrX:18,925,732, A>G on the plus strand (T>C on the coding strand, the complement: PHKA2 is on the minus strand). VCF-style: chrX-18925732-A-G. GRCh37 (hg19) VCF-style: chrX-18943850-A-G.
Other names: short protein forms I502T.
Identifiers: ClinVar variation 2637188 (VCV002637188.1), dbSNP rs2518696683, ClinGen allele CA412392040.
Genomic context (GRCh38, chrX:18,925,732, plus strand): 5'-GGTGTAAAAGTAAAGATTTGGTTCCTAATCACATATAGTTTAGAGGTTCCAAGGACACCA[A>G]TATGTCGATACGGTCGCCCACTCAAATTCATATTCTTATTCCGTCCTGTTTGAGAAGTAA-3'
Protein context (NP_000283.1, residues 492-512): MNLSGRPYRH[Ile502Thr]GVLGTSKLYV

ClinVar aggregate classification (germline): Uncertain significance (1 of 4 stars; one submission).

Conditions:
PHKA2-related disorder. Also called: PHKA2-related condition.

Allele frequency attached by ClinVar (database versions not stated): gnomAD exomes below 0.00001.
gnomAD v4.1: 2 of 1,199,954 alleles (0.00017%); highest among the groups gnomAD compares: Non-Finnish European, 0.00023%; no homozygotes.

Submission:

PreventionGenetics, part of Exact Sciences
Classification: Uncertain significance for PHKA2-related condition. Last evaluated: 2022-09-08. Review status: criteria provided, single submitter. Criteria: ACMG Guidelines, 2015. Collection method: clinical testing. Allele origin: germline.
Comment: The PHKA2 c.1505T>C variant is predicted to result in the amino acid substitution p.Ile502Thr. To our knowledge, this variant has not been reported in the literature or in a large population database, indicating this variant is rare. At this time, the clinical significance of this variant is uncertain due to the absence of conclusive functional and genetic evidence.